The following is an entry in ClinVar:

NM_000132.4(F8):c.5483del (p.Pro1828fs)

Gene: F8 (coagulation factor VIII; minus strand). Cytogenetic location: Xq28.
Variant type: Deletion.
Coding change: c.5483del on transcript NM_000132.4 (MANE Select); coding-DNA position 5483, one base deleted (C; older notation c.5483delC).
Protein change: p.Pro1828fs; shifts the reading frame from proline 1828.
Molecular consequence: frameshift variant.
Genome position (GRCh38, 1-based): chrX:154,904,914, G deleted on the plus strand (C on the coding strand, the reverse complement: F8 is on the minus strand); the first of 2 consecutive G bases (chrX:154,904,914-154,904,915); deleting either gives the same sequence. VCF-style (leftmost placement, unchanged base first): chrX-154904913-AG-A. GRCh37 (hg19) VCF-style: chrX-154133188-AG-A.
Other names: short protein forms P1828fs.
Identifiers: ClinVar variation 994084 (VCV000994084.8), dbSNP rs2073030045, ClinGen allele CA1139667916.
Genomic context (GRCh38, chrX:154,904,913, plus strand): 5'-CTCATCTTTAGTGGGTGCCATATGATGTTGCACTTTCCAAAAGTAAGTTTTGGTTTCATT[AG>A]GCTTGACAAAGTTTTTTCTAGGTTCTGCTCCTTGCCTCTGATCTTCCTCATAAGAAATAA-3'

ClinVar aggregate classification (germline): Pathogenic (1 of 4 stars; one submission).

Conditions:
Hereditary factor VIII deficiency disease (HEMA). Also called: AUTOSOMAL HEMOPHILIA A; Hemophilia A, congenital; HEM A; Factor 8 deficiency, congenital; HEMOPHILIA, CLASSIC; Hemophilia A. Identifiers: Orphanet 98878, MedGen C0019069, MONDO:0010602, OMIM 306700.

Submission:

ARUP Laboratories, Molecular Genetics and Genomics, ARUP Laboratories
Classification: Pathogenic for Hereditary factor VIII deficiency disease. Last evaluated: 2019-09-04. Review status: criteria provided, single submitter. Criteria: ARUP Molecular Germline Variant Investigation Process. Collection method: clinical testing. Allele origin: germline.
Comment: The F8 c.5483delC; p.Pro1828fs variant, to our knowledge, is not reported in the medical literature or gene specific databases. This variant is also absent from general population databases (Exome Variant Server, Genome Aggregation Database), indicating it is not a common polymorphism. This variant causes a frameshift by deleting a single nucleotide, so it is predicted to result in a truncated protein or mRNA subject to nonsense-mediated decay. Additionally, several other downstream truncating variants have been reported in individuals with hemophilia A and are considered pathogenic (Green 2008, Rossetti 2007). Based on available information, this variant is considered to be pathogenic. References: Green PM et al. Haemophilia A mutations in the UK: results of screening one-third of the population. Br J Haematol. 2008 Oct;143(1):115-28. Rossetti LC et al. Sixteen novel hemophilia A causative mutations in the first Argentinian series of severe molecular defects. Haematologica. 2007 Jun;92(6):842-5.